The following is an entry in ClinVar:

NM_001160372.4(TRAPPC9):c.3220A>G (p.Asn1074Asp)

Gene: TRAPPC9 (trafficking protein particle complex subunit 9; minus strand). Cytogenetic location: 8q24.3.
Variant type: single nucleotide variant.
Coding change: c.3220A>G on transcript NM_001160372.4 (MANE Select); coding-DNA position 3220, A replaced by G.
Protein change: p.Asn1074Asp; replaces asparagine 1074 with aspartic acid.
Molecular consequence: missense variant. On other transcripts: non-coding transcript variant (1).
Genome position (GRCh38, 1-based): chr8:139,732,038, T>C on the plus strand (A>G on the coding strand, the complement: TRAPPC9 is on the minus strand). VCF-style: chr8-139732038-T-C. GRCh37 (hg19) VCF-style: chr8-140744281-T-C.
Other names: c.3193A>G, p.Asn1065Asp (NM_001321646.2); c.3241A>G, p.Asn1081Asp (NM_001374682.1); c.3109A>G, p.Asn1037Asp (NM_001374683.1); c.3076A>G, p.Asn1026Asp (NM_001374684.1); c.3220A>G, p.Asn1074Asp (NM_031466.8); short protein forms N1074D, N1065D, N1026D, N1037D, N1081D.
Identifiers: ClinVar variation 589348 (VCV000589348.17), dbSNP rs762135474, ClinGen allele CA372732785.

ClinVar aggregate classification (germline): Uncertain significance. Review status: criteria provided, multiple submitters, no conflicts (2 of 4 stars). 3 submissions from 3 submitters: Uncertain significance (3). Last evaluated 2026-07-20.

Conditions:
Inborn genetic diseases. Identifiers: MedGen C0950123, MeSH D030342.

Allele frequency attached by ClinVar (database versions not stated): gnomAD 0.00007; TOPMed 0.00015.
gnomAD v4.1: 18 of 1,604,588 alleles (0.0011%); highest among the groups gnomAD compares: Admixed American, 0.02%; no homozygotes.

Submissions (3):

Ambry Genetics
Classification: Uncertain significance for Inborn genetic diseases. Last evaluated: 2026-07-20. Review status: criteria provided, single submitter. Criteria: Ambry Variant Classification Scheme 2023. Collection method: clinical testing. Allele origin: germline.
Comment: The c.3514A>G (p.N1172D) alteration is located in exon 22 (coding exon 22) of the TRAPPC9 gene. This alteration results from a A to G substitution at nucleotide position 3514, causing the asparagine (N) at amino acid position 1172 to be replaced by an aspartic acid (D). Based on data from gnomAD, the G allele has an overall frequency of 0.002% (5/262808) total alleles studied. The highest observed frequency was 0.015% (1/6804) of Other alleles. Based on insufficient or conflicting evidence, the clinical significance of this alteration remains unclear.

Labcorp Genetics (formerly Invitae), Labcorp
Classification: Uncertain significance. Last evaluated: 2025-11-08. Review status: criteria provided, single submitter. Criteria: Invitae Variant Classification Sherloc (09022015). Collection method: clinical testing. Allele origin: germline.
Comment: This sequence change replaces asparagine, which is neutral and polar, with aspartic acid, which is acidic and polar, at codon 1172 of the TRAPPC9 protein (p.Asn1172Asp). The frequency data for this variant in the population databases is considered unreliable, as metrics indicate poor data quality at this position in the gnomAD database. This variant has not been reported in the literature in individuals affected with TRAPPC9-related conditions. ClinVar contains an entry for this variant (Variation ID: 589348). An algorithm developed to predict the effect of missense changes on protein structure and function (PolyPhen-2) suggests that this variant is likely to be tolerated. In summary, the available evidence is currently insufficient to determine the role of this variant in disease. Therefore, it has been classified as a Variant of Uncertain Significance.

Genetic Services Laboratory, University of Chicago
Classification: Uncertain significance. Last evaluated: 2019-07-09. Review status: criteria provided, single submitter. Criteria: ACMG Guidelines, 2015. Collection method: clinical testing. Allele origin: germline. Affected: no.